The following is an entry in ClinVar:

ClinVar aggregate classification (germline): Conflicting classifications of pathogenicity. Review status: criteria provided, conflicting classifications (1 of 4 stars). 3 submissions from 3 submitters: Uncertain significance (1); Benign (1); Likely benign (1). Last evaluated 2026-08-18.

Conditions:
Hereditary cancer-predisposing syndrome. Also called: Neoplastic Syndromes, Hereditary; Tumor predisposition; Hereditary Cancer Syndrome; Hereditary neoplastic syndrome. Identifiers: Orphanet 140162, MedGen C0027672, MeSH D009386, MONDO:0015356.
DICER1-related tumor predisposition. Also called: DICER1-related pleuropulmonary blastoma cancer predisposition syndrome; DICER1 syndrome. Identifiers: Orphanet 284343, MedGen C3839822, MONDO:0100216.

Submissions (3):

Myriad Genetics, Inc.
Classification: Benign for DICER1-related tumor predisposition. Last evaluated: 2026-08-18. Review status: criteria provided, single submitter. Criteria: Myriad Autosomal Dominant, Autosomal Recessive and X-Linked Classification Criteria (2023). Collection method: clinical testing. Allele origin: unknown.
Comment: This variant is considered benign. This variant is a silent/synonymous amino acid change and it is not expected to impact splicing.

Hereditary Cancer Group, L’Institut d'Investigació Biomèdica de Bellvitge
Classification: Uncertain significance for Hereditary cancer-predisposing syndrome. Last evaluated: 2024-12-19. Review status: criteria provided, single submitter. Criteria: Hatton et al. (Hum Mutat. 2023). Collection method: clinical testing. Allele origin: germline. Inheritance: Autosomal dominant inheritance. Affected: yes.
Comment: PM2_supporting, BP4

Labcorp Genetics (formerly Invitae), Labcorp
Classification: Likely benign for DICER1-related tumor predisposition. Last evaluated: 2024-01-13. Review status: criteria provided, single submitter. Criteria: Invitae Variant Classification Sherloc (09022015). Collection method: clinical testing. Allele origin: germline.

NM_177438.3(DICER1):c.624C>A (p.Ser208=)

Gene: DICER1 (dicer 1, ribonuclease III; minus strand). Cytogenetic location: 14q32.13.
Variant type: single nucleotide variant.
Coding change: c.624C>A on transcript NM_177438.3 (MANE Select); coding-DNA position 624, C replaced by A.
Protein change: p.Ser208=; no amino-acid change (serine 208 retained).
Molecular consequence: synonymous variant. On other transcripts: 5 prime UTR variant (1), non-coding transcript variant (6).
Genome position (GRCh38, 1-based): chr14:95,129,582, G>T on the plus strand (C>A on the coding strand, the complement: DICER1 is on the minus strand). VCF-style: chr14-95129582-G-T. GRCh37 (hg19) VCF-style: chr14-95595919-G-T.
Other names: c.624C>A, p.Ser208= (NM_001195573.1, NM_001271282.3, NM_001291628.2 and 15 more transcripts); c.342C>A, p.Ser114= (NM_001395686.1); c.219C>A, p.Ser73= (NM_001395687.1, NM_001395688.1, NM_001395689.1 and 3 more transcripts); c.57C>A, p.Ser19= (NM_001395691.1); c.-945C>A (NM_001395697.1).
Identifiers: ClinVar variation 2778592 (VCV002778592.5), dbSNP rs1595457134, ClinGen allele CA487633845.